The following is an entry in ClinVar:

ClinVar aggregate classification (germline): Uncertain significance. Review status: criteria provided, multiple submitters, no conflicts (2 of 4 stars). 2 submissions from 2 submitters: Uncertain significance (2). Last evaluated 2024-06-18.

Allele frequency attached by ClinVar (database versions not stated): gnomAD 0.00002; gnomAD exomes 0.00003 and 0.00006; TOPMed 0.00004; ExAC 0.00007; ESP Exome Variant Server 0.00015.
gnomAD v4.1: 51 of 1,614,040 alleles (0.0032%); highest among the groups gnomAD compares: Middle Eastern, 0.016%; no homozygotes.

Submissions (2):

Mayo Clinic Laboratories, Mayo Clinic
Classification: Uncertain significance. Last evaluated: 2024-06-18. Review status: criteria provided, single submitter. Criteria: ACMG Guidelines, 2015. Collection method: clinical testing. Allele origin: germline. Observed: 1 variant allele.
Comment: BP4

Labcorp Genetics (formerly Invitae), Labcorp
Classification: Uncertain significance. Last evaluated: 2022-06-13. Review status: criteria provided, single submitter. Criteria: Invitae Variant Classification Sherloc (09022015). Collection method: clinical testing. Allele origin: germline.
Comment: This sequence change replaces isoleucine, which is neutral and non-polar, with valine, which is neutral and non-polar, at codon 711 of the IARS2 protein (p.Ile711Val). This variant is present in population databases (rs376499862, gnomAD 0.01%). This variant has not been reported in the literature in individuals affected with IARS2-related conditions. Algorithms developed to predict the effect of missense changes on protein structure and function output the following: SIFT: "Tolerated"; PolyPhen-2: "Benign"; Align-GVGD: "Class C0". The valine amino acid residue is found in multiple mammalian species, which suggests that this missense change does not adversely affect protein function. In summary, the available evidence is currently insufficient to determine the role of this variant in disease. Therefore, it has been classified as a Variant of Uncertain Significance.

NM_018060.4(IARS2):c.2131A>G (p.Ile711Val)

Gene: IARS2 (isoleucyl-tRNA synthetase 2, mitochondrial; plus strand). Cytogenetic location: 1q41.
Variant type: single nucleotide variant.
Coding change: c.2131A>G on transcript NM_018060.4 (MANE Select); coding-DNA position 2131, A replaced by G.
Protein change: p.Ile711Val; replaces isoleucine 711 with valine.
Molecular consequence: missense variant.
Genome position (GRCh38, 1-based): chr1:220,137,999, A>G. VCF-style: chr1-220137999-A-G. GRCh37 (hg19) VCF-style: chr1-220311341-A-G.
Other names: p.Ile711Val; short protein forms I711V.
Identifiers: ClinVar variation 1389930 (VCV001389930.4), dbSNP rs376499862, ClinGen allele CA1401691.